The following is an entry in ClinVar:

NM_000453.3(SLC5A5):c.840-1G>A

Gene: SLC5A5 (solute carrier family 5 member 5; plus strand). Cytogenetic location: 19p13.11.
Variant type: single nucleotide variant.
Coding change: c.840-1G>A on transcript NM_000453.3 (MANE Select); the canonical splice acceptor site of the intron before coding-DNA position 840, G replaced by A.
Molecular consequence: splice acceptor variant.
Genome position (GRCh38, 1-based): chr19:17,877,963, G>A. VCF-style: chr19-17877963-G-A. GRCh37 (hg19) VCF-style: chr19-17988772-G-A.
Identifiers: ClinVar variation 2861741 (VCV002861741.3), dbSNP rs2514624625, ClinGen allele CA404784106.

ClinVar aggregate classification (germline): Likely pathogenic (1 of 4 stars; one submission).

Submission:

Labcorp Genetics (formerly Invitae), Labcorp
Classification: Likely pathogenic. Last evaluated: 2023-05-02. Review status: criteria provided, single submitter. Criteria: Invitae Variant Classification Sherloc (09022015). Collection method: clinical testing. Allele origin: germline.
Comment: This variant is not present in population databases (gnomAD no frequency). In summary, the currently available evidence indicates that the variant is pathogenic, but additional data are needed to prove that conclusively. Therefore, this variant has been classified as Likely Pathogenic. Algorithms developed to predict the effect of sequence changes on RNA splicing suggest that this variant may disrupt the consensus splice site. This variant has not been reported in the literature in individuals affected with SLC5A5-related conditions. This sequence change affects an acceptor splice site in intron 6 of the SLC5A5 gene. It is expected to disrupt RNA splicing. Variants that disrupt the donor or acceptor splice site typically lead to a loss of protein function (PMID: 16199547), and loss-of-function variants in SLC5A5 are known to be pathogenic (PMID: 9388506, 9486973).

Literature cited by the submitters: PubMed 16199547; PubMed 9388506; PubMed 9486973.